The following is an entry in ClinVar:

NM_000038.6(APC):c.6808_6819del (p.Ser2270_Gly2273del)

Gene: APC (APC regulator of Wnt signaling pathway; plus strand). Cytogenetic location: 5q22.2.
Variant type: Deletion.
Coding change: c.6808_6819del on transcript NM_000038.6 (MANE Select); coding-DNA positions 6808 to 6819, 12 bases deleted (TCTCCTAGAGGA).
Protein change: p.Ser2270_Gly2273del.
Molecular consequence: inframe deletion. On other transcripts: inframe indel (20).
Genome position (GRCh38, 1-based): chr5:112,842,402-112,842,413, TCTCCTAGAGGA deleted. VCF-style (leftmost placement, unchanged base first): chr5-112842401-TTCTCCTAGAGGA-T. GRCh37 (hg19) VCF-style: chr5-112178098-TTCTCCTAGAGGA-T.
Other names: c.6808_6819del, p.Ser2270_Gly2273del (NM_001127510.3, NM_001354895.2); c.6754_6765del, p.Ser2252_Gly2255del (NM_001127511.3); c.6862_6873del, p.Ser2288_Gly2291del (NM_001354896.2); c.6838_6849del, p.Ser2280_Gly2283del (NM_001354897.2); c.6733_6744del, p.Ser2245_Gly2248del (NM_001354898.2); c.6724_6735del, p.Ser2242_Gly2245del (NM_001354899.2); c.6685_6696del, p.Ser2229_Gly2232del (NM_001354900.2); c.6631_6642del, p.Ser2211_Gly2214del (NM_001354901.2); and 16 more.
Identifiers: ClinVar variation 1755551 (VCV001755551.3), dbSNP rs2533745259, ClinGen allele CA2580072360.
Genomic context (GRCh38, chr5:112,842,401, plus strand): 5'-AGGCCCACCCCTTAAGACTCCAGCCTCCAAAAGCCCTAGTGAAGGTCAAACAGCCACCAC[TTCTCCTAGAGGA>T]GCCAAGCCATCTGTGAAATCAGAATTAAGCCCTGTTGCCAGGCAGACATCCCAAATAGGT-3'

ClinVar aggregate classification (germline): Conflicting classifications of pathogenicity. Review status: criteria provided, conflicting classifications (1 of 4 stars). 2 submissions from 2 submitters: Likely pathogenic (1); Uncertain significance (1). Last evaluated 2026-05-29.

Conditions:
Hereditary cancer-predisposing syndrome. Also called: Neoplastic Syndromes, Hereditary; Tumor predisposition; Hereditary Cancer Syndrome; Hereditary neoplastic syndrome. Identifiers: Orphanet 140162, MedGen C0027672, MeSH D009386, MONDO:0015356.
Familial adenomatous polyposis 1 (FAP1). Also called: FAMILIAL ADENOMATOUS POLYPOSIS 1, ATTENUATED; POLYPOSIS, ADENOMATOUS INTESTINAL. Identifiers: MedGen C2713442, MONDO:0021056, OMIM 175100. Disease mechanism: loss of function.

Submissions (2):

Diller/Parad Lab, Dana-Farber/Harvard Cancer Center
Classification: Likely pathogenic for Familial adenomatous polyposis 1. Last evaluated: 2026-05-29. Review status: criteria provided, single submitter. Criteria: ACMG Guidelines, 2015. Collection method: research. Allele origin: germline. Affected: yes.
Comment: We note that while neuroblastoma patients have been rarely described to have germline APC path/likely path variants, this variant has been classified as Likely Pathogenic using Richards et al (PMID:25741868) based on the following evidence codes: PM2, PM4, PM1.

Ambry Genetics
Classification: Uncertain significance for Hereditary cancer-predisposing syndrome. Last evaluated: 2020-10-27. Review status: criteria provided, single submitter. Criteria: Ambry Variant Classification Scheme 2023. Collection method: clinical testing. Allele origin: germline.
Comment: The c.6808_6819del12 variant (also known as p.S2270_G2273del) is located in coding exon 15 of the APC gene. This variant results from an in-frame deletion of 12 nucleotides at nucleotide positions 6808 to 6819. This results in the in-frame deletion of 4 amino acids at codons 2270 to 2273. The amino acid positions in this region are well conserved in available vertebrate species. In addition, this alteration is predicted to be deleterious by in silico analysis (Choi Y et al. PLoS ONE. 2012; 7(10):e46688). Since supporting evidence is limited at this time, the clinical significance of this alteration remains unclear.